The following is an entry in ClinVar:

NM_004186.5(SEMA3F):c.545G>A (p.Arg182His)

Gene: SEMA3F (semaphorin 3F; plus strand). Cytogenetic location: 3p21.31.
Variant type: single nucleotide variant.
Coding change: c.545G>A on transcript NM_004186.5 (MANE Select); coding-DNA position 545, G replaced by A.
Protein change: p.Arg182His; replaces arginine 182 with histidine.
Molecular consequence: missense variant. On other transcripts: intron variant (2).
Genome position (GRCh38, 1-based): chr3:50,175,184, G>A. VCF-style: chr3-50175184-G-A. GRCh37 (hg19) VCF-style: chr3-50212617-G-A.
Other names: c.252+834G>A (NM_001318798.2); c.456+834G>A (NM_001318800.2); short protein forms R182H.
Identifiers: ClinVar variation 4978918 (VCV004978918.1).
Genomic context (GRCh38, chr3:50,175,184, plus strand): 5'-TCAGAGGCCGCGGCAGCAGAGCCACGGATGGTGCCCTCCGCCCGATGCCCACAGCCCCAC[G>A]CCAGGTGGGCCTCATCCCTCCAGGCCTTTGCCAGGCAGCACTGCCTCTGAGCGGAACTCA-3'
Protein context (NP_004177.3, residues 172-192): GALRPMPTAP[Arg182His]QDYIFYLEPE

ClinVar aggregate classification (germline): Uncertain significance (1 of 4 stars; one submission).

Conditions:
SEMA3F-related disorder. Also called: SEMA3F-related condition.

gnomAD v4.1: 16 of 1,588,260 alleles (0.001%); highest among the groups gnomAD compares: Middle Eastern, 0.066%; no homozygotes.

Submission:

PreventionGenetics, part of Exact Sciences
Classification: Uncertain significance for SEMA3F-related condition. Last evaluated: 2024-12-30. Review status: criteria provided, single submitter. Criteria: ACMG Guidelines, 2015. Collection method: clinical testing. Allele origin: germline.
Comment: The SEMA3F c.545G>A variant is predicted to result in the amino acid substitution p.Arg182His. To our knowledge, this variant has not been reported in the literature. This variant is reported in 0.0064% of alleles in individuals of East Asian descent in gnomAD. At this time, the clinical significance of this variant is uncertain due to the absence of conclusive functional and genetic evidence.